The following is an entry in ClinVar:

ClinVar aggregate classification (germline): Benign. Review status: criteria provided, multiple submitters, no conflicts (2 of 4 stars). 3 submissions from 3 submitters: Benign (3). Last evaluated 2021-05-04.

Allele frequency attached by ClinVar (database versions not stated): gnomAD exomes 0.00535 and 0.01369; ExAC 0.02102; gnomAD 0.04507 and 0.04758; TOPMed 0.05158; ESP Exome Variant Server 0.05346; 1000 Genomes Project 0.05491; 1000 Genomes Project 30x 0.05653.
gnomAD v4.1: 14,989 of 1,609,760 alleles (0.93%); highest among the groups gnomAD compares: African/African-American, 15%; 938 homozygotes.

Submissions (3):

GeneDx
Classification: Benign. Last evaluated: 2021-05-04. Review status: criteria provided, single submitter. Criteria: GeneDx Variant Classification Process June 2021. Collection method: clinical testing. Allele origin: germline. Affected: yes.

Laboratory for Molecular Medicine, Mass General Brigham Personalized Medicine
Classification: Benign. Last evaluated: 2016-03-28. Review status: criteria provided, single submitter. Criteria: LMM Criteria. Collection method: clinical testing. Allele origin: germline.
Comment: Variant identified in a genome or exome case(s) and assessed due to predicted null impact of the variant or pathogenic assertions in the literature or databases. Disclaimer: This variant has not undergone full assessment. The following are preliminary notes: Frequency

Breakthrough Genomics
Classification: Benign. Review status: criteria provided, single submitter. Criteria: ACMG Guidelines, 2015. Collection method: not provided. Allele origin: germline. Inheritance: Autosomal dominant inheritance. Affected: yes.

NM_000603.5(NOS3):c.3351T>C (p.Val1117=)

Genes: ATG9B (autophagy related 9B; minus strand), NOS3 (nitric oxide synthase 3; plus strand). Cytogenetic location: 7q36.1.
Variant type: single nucleotide variant.
Coding change: c.3351T>C on transcript NM_000603.5 (MANE Select); coding-DNA position 3351, T replaced by C.
Protein change: p.Val1117=; no amino-acid change (valine 1117 retained).
Molecular consequence: synonymous variant. On other transcripts: non-coding transcript variant (2).
Genome position (GRCh38, 1-based): chr7:151,013,819, T>C. VCF-style: chr7-151013819-T-C. GRCh37 (hg19) VCF-style: chr7-150710907-T-C.
Identifiers: ClinVar variation 403252 (VCV000403252.7), dbSNP rs3918211, ClinGen allele CA4567673.